The following is an entry in ClinVar:

NM_004656.4(BAP1):c.238_239del (p.Met80fs)

Gene: BAP1 (BRCA1 associated deubiquitinase 1; minus strand). Cytogenetic location: 3p21.1.
Variant type: Deletion.
Coding change: c.238_239del on transcript NM_004656.4 (MANE Select); coding-DNA positions 238 to 239, 2 bases deleted (AT; older notation c.238_239delAT).
Protein change: p.Met80fs; shifts the reading frame from methionine 80.
Molecular consequence: frameshift variant.
Genome position (GRCh38, 1-based): chr3:52,408,490-52,408,491, AT deleted on the plus strand (AT on the coding strand, the reverse complement: BAP1 is on the minus strand). VCF-style (leftmost placement, unchanged base first): chr3-52408489-CAT-C. GRCh37 (hg19) VCF-style: chr3-52442505-CAT-C.
Other names: c.238_239delAT (NM_004656.2); short protein forms M80fs.
Identifiers: ClinVar variation 965729 (VCV000965729.8), dbSNP rs1705235390, ClinGen allele CA1139658127.

ClinVar aggregate classification (germline): Pathogenic. Review status: criteria provided, multiple submitters, no conflicts (2 of 4 stars). 2 submissions from 2 submitters: Pathogenic (2). Last evaluated 2024-09-06.

Conditions:
Hereditary cancer-predisposing syndrome. Also called: Hereditary neoplastic syndrome; Neoplastic Syndromes, Hereditary; Hereditary Cancer Syndrome; Tumor predisposition. Identifiers: Orphanet 140162, MedGen C0027672, MeSH D009386, MONDO:0015356.
BAP1-related tumor predisposition syndrome (TPDS1). Also called: Tumor susceptibility linked to germline BAP1 mutations; COMMON Syndrome; TUMOR PREDISPOSITION SYNDROME 1; BAP1 tumor predisposition syndrome. Identifiers: Orphanet 289539, MedGen C3280492, MONDO:0013692, OMIM 614327.

Allele frequency attached by ClinVar (database versions not stated): gnomAD exomes below 0.00001.

Submissions (2):

Ambry Genetics
Classification: Pathogenic for Hereditary cancer-predisposing syndrome. Last evaluated: 2024-09-06. Review status: criteria provided, single submitter. Criteria: Ambry Variant Classification Scheme 2023. Collection method: clinical testing. Allele origin: germline.
Comment: The c.238_239delAT variant, located in coding exon 4 of the BAP1 gene, results from a deletion of two nucleotides at nucleotide positions 238 to 239, causing a translational frameshift with a predicted alternate stop codon (p.M80Vfs*45). This variant has been observed in at least one individual with a personal and/or family history that is consistent with BAP1-related tumor predisposition syndrome (Ambry internal data). This variant is considered to be rare based on population cohorts in the Genome Aggregation Database (gnomAD). This alteration is expected to result in loss of function by premature protein truncation or nonsense-mediated mRNA decay. As such, this alteration is interpreted as a disease-causing mutation.

Labcorp Genetics (formerly Invitae), Labcorp
Classification: Pathogenic for BAP1-related tumor predisposition syndrome. Last evaluated: 2019-11-10. Review status: criteria provided, single submitter. Criteria: Invitae Variant Classification Sherloc (09022015). Collection method: clinical testing. Allele origin: germline.
Comment: For these reasons, this variant has been classified as Pathogenic. Loss-of-function variants in BAP1 are known to be pathogenic (PMID: 21874000, 23684012). This variant has not been reported in the literature in individuals with BAP1-related conditions. This variant is not present in population databases (ExAC no frequency). This sequence change creates a premature translational stop signal (p.Met80Valfs*45) in the BAP1 gene. It is expected to result in an absent or disrupted protein product.

Literature cited by the submitters: PubMed 21874000 (cited by Labcorp Genetics (formerly Invitae), Labcorp); PubMed 23684012 (cited by Labcorp Genetics (formerly Invitae), Labcorp).